The following is an entry in ClinVar:

ClinVar aggregate classification (germline): Uncertain significance. Review status: criteria provided, multiple submitters, no conflicts (2 of 4 stars). 2 submissions from 2 submitters: Uncertain significance (2). Last evaluated 2024-12-11.

gnomAD v4.1: 1 of 1,558,796 alleles (0.000064%); highest among the groups gnomAD compares: Non-Finnish European, 0.000087%; no homozygotes.

Submissions (2):

Ambry Genetics
Classification: Uncertain significance. Last evaluated: 2024-12-11. Review status: criteria provided, single submitter. Criteria: Ambry Variant Classification Scheme 2023. Collection method: clinical testing. Allele origin: germline.

Labcorp Genetics (formerly Invitae), Labcorp
Classification: Uncertain significance. Last evaluated: 2022-11-17. Review status: criteria provided, single submitter. Criteria: Invitae Variant Classification Sherloc (09022015). Collection method: clinical testing. Allele origin: germline.
Comment: Algorithms developed to predict the effect of sequence changes on RNA splicing suggest that this variant may disrupt the consensus splice site. In summary, the available evidence is currently insufficient to determine the role of this variant in disease. Therefore, it has been classified as a Variant of Uncertain Significance. Algorithms developed to predict the effect of missense changes on protein structure and function are either unavailable or do not agree on the potential impact of this missense change (SIFT: "Deleterious"; PolyPhen-2: "Benign"; Align-GVGD: "Class C0"). This variant has not been reported in the literature in individuals affected with RIMS1-related conditions. This variant is not present in population databases (gnomAD no frequency). This sequence change replaces arginine, which is basic and polar, with leucine, which is neutral and non-polar, at codon 903 of the RIMS1 protein (p.Arg903Leu).

NM_014989.7(RIMS1):c.2708G>T (p.Arg903Leu)

Gene: RIMS1 (regulating synaptic membrane exocytosis 1; plus strand). Cytogenetic location: 6q13.
Variant type: single nucleotide variant.
Coding change: c.2708G>T on transcript NM_014989.7 (MANE Select); coding-DNA position 2708, G replaced by T.
Protein change: p.Arg903Leu; replaces arginine 903 with leucine.
Molecular consequence: missense variant.
Genome position (GRCh38, 1-based): chr6:72,252,770, G>T. VCF-style: chr6-72252770-G-T. GRCh37 (hg19) VCF-style: chr6-72962473-G-T.
Other names: c.1130G>T, p.Arg377Leu (NM_001168407.2, NM_001168408.2, NM_001350414.2 and 37 more transcripts); c.887G>T, p.Arg296Leu (NM_001168409.2, NM_001350461.2, NM_001350463.2 and 6 more transcripts); c.1085G>T, p.Arg362Leu (NM_001168410.2, NM_001350470.2, NM_001350472.2 and 2 more transcripts); c.1061G>T, p.Arg354Leu (NM_001350430.2, NM_001350437.2, NM_001350450.2 and 6 more transcripts); c.2708G>T (NM_014989.4); short protein forms R296L, R354L, R362L, R377L, R903L.
Identifiers: ClinVar variation 1719804 (VCV001719804.6), dbSNP rs776822598, ClinGen allele CA364680522.